The following is an entry in ClinVar:

ClinVar aggregate classification (germline): Uncertain significance (1 of 4 stars; one submission).

Conditions:
Norman-Roberts syndrome (LIS2). Also called: Lissencephaly 2 (Norman-Roberts type). Identifiers: Orphanet 89844, MedGen C0796089, MONDO:0009760, OMIM 257320.
Familial temporal lobe epilepsy 7. Identifiers: Orphanet 101046, MedGen C4225327, MONDO:0014639, OMIM 616436.

gnomAD v4.1: 1 of 1,614,022 alleles (0.000062%); highest among the groups gnomAD compares: African/African-American, 0.0013%; no homozygotes.

Submission:

Labcorp Genetics (formerly Invitae), Labcorp
Classification: Uncertain significance for Familial temporal lobe epilepsy 7; Norman-Roberts syndrome. Last evaluated: 2026-01-12. Review status: criteria provided, single submitter. Criteria: Invitae Variant Classification Sherloc (09022015). Collection method: clinical testing. Allele origin: germline.
Comment: This sequence change replaces valine, which is neutral and non-polar, with alanine, which is neutral and non-polar, at codon 1628 of the RELN protein (p.Val1628Ala). This variant is not present in population databases (gnomAD no frequency). This variant has not been reported in the literature in individuals affected with RELN-related conditions. ClinVar contains an entry for this variant (Variation ID: 3761142). Invitae Evidence Modeling of protein sequence and biophysical properties (such as structural, functional, and spatial information, amino acid conservation, physicochemical variation, residue mobility, and thermodynamic stability) indicates that this missense variant is not expected to disrupt RELN protein function with a negative predictive value of 80%. In summary, the available evidence is currently insufficient to determine the role of this variant in disease. Therefore, it has been classified as a Variant of Uncertain Significance.

NM_005045.4(RELN):c.4883T>C (p.Val1628Ala)

Gene: RELN (reelin; minus strand). Cytogenetic location: 7q22.1.
Variant type: single nucleotide variant.
Coding change: c.4883T>C on transcript NM_005045.4 (MANE Select); coding-DNA position 4883, T replaced by C.
Protein change: p.Val1628Ala; replaces valine 1628 with alanine.
Molecular consequence: missense variant.
Genome position (GRCh38, 1-based): chr7:103,566,277, A>G on the plus strand (T>C on the coding strand, the complement: RELN is on the minus strand). VCF-style: chr7-103566277-A-G. GRCh37 (hg19) VCF-style: chr7-103206724-A-G.
Other names: c.4883T>C, p.Val1628Ala (NM_173054.3); short protein forms V1628A.
Identifiers: ClinVar variation 3761142 (VCV003761142.2).